The following is an entry in ClinVar:

ClinVar aggregate classification (germline): Conflicting classifications of pathogenicity. Review status: criteria provided, conflicting classifications (1 of 4 stars). 2 submissions from 2 submitters: Uncertain significance (1); Likely benign (1). Last evaluated 2025-12-04.

Conditions:
Hereditary nonpolyposis colorectal neoplasms. Identifiers: MedGen C0009405, MeSH D003123.
Hereditary cancer-predisposing syndrome. Also called: Tumor predisposition; Hereditary neoplastic syndrome; Neoplastic Syndromes, Hereditary; Hereditary Cancer Syndrome. Identifiers: Orphanet 140162, MedGen C0027672, MeSH D009386, MONDO:0015356.

gnomAD v4.1: 1 of 1,613,898 alleles (0.000062%); highest among the groups gnomAD compares: Non-Finnish European, 0.000085%; no homozygotes.

Submissions (2):

Ambry Genetics
Classification: Likely benign for Hereditary cancer-predisposing syndrome. Last evaluated: 2025-12-04. Review status: criteria provided, single submitter. Criteria: Ambry Variant Classification Scheme 2023. Collection method: clinical testing. Allele origin: germline.

Labcorp Genetics (formerly Invitae), Labcorp
Classification: Uncertain significance for Hereditary nonpolyposis colorectal neoplasms. Last evaluated: 2022-06-29. Review status: criteria provided, single submitter. Criteria: Invitae Variant Classification Sherloc (09022015). Collection method: clinical testing. Allele origin: germline.
Comment: In summary, the available evidence is currently insufficient to determine the role of this variant in disease. Therefore, it has been classified as a Variant of Uncertain Significance. Advanced modeling of protein sequence and biophysical properties (such as structural, functional, and spatial information, amino acid conservation, physicochemical variation, residue mobility, and thermodynamic stability) performed at Invitae indicates that this missense variant is not expected to disrupt PMS2 protein function. This variant has not been reported in the literature in individuals affected with PMS2-related conditions. This sequence change replaces glutamine, which is neutral and polar, with glutamic acid, which is acidic and polar, at codon 536 of the PMS2 protein (p.Gln536Glu). This variant is not present in population databases (gnomAD no frequency).

NM_000535.7(PMS2):c.1606C>G (p.Gln536Glu)

Gene: PMS2 (PMS1 homolog 2, mismatch repair system component; minus strand). Cytogenetic location: 7p22.1.
Variant type: single nucleotide variant.
Coding change: c.1606C>G on transcript NM_000535.7 (MANE Select); coding-DNA position 1606, C replaced by G.
Protein change: p.Gln536Glu; replaces glutamine 536 with glutamic acid.
Molecular consequence: missense variant. On other transcripts: non-coding transcript variant (1).
Genome position (GRCh38, 1-based): chr7:5,987,159, G>C on the plus strand (C>G on the coding strand, the complement: PMS2 is on the minus strand). VCF-style: chr7-5987159-G-C. GRCh37 (hg19) VCF-style: chr7-6026790-G-C.
Other names: c.1201C>G, p.Gln401Glu (NM_001018040.1, NM_001322003.2, NM_001322004.2 and 17 more transcripts); c.1450C>G, p.Gln484Glu (NM_001322006.2, NM_001406870.1); c.1288C>G, p.Gln430Glu (NM_001322007.2, NM_001322008.2, NM_001406876.1 and 2 more transcripts); c.1045C>G, p.Gln349Glu (NM_001322010.2, NM_001406906.1, NM_001406907.1); c.673C>G, p.Gln225Glu (NM_001322011.2, NM_001322012.2); c.1033C>G, p.Gln345Glu (NM_001322013.2, NM_001406909.1); c.1606C>G, p.Gln536Glu (NM_001322014.2, NM_001406871.1, NM_001406872.1); c.1297C>G, p.Gln433Glu (NM_001322015.2, NM_001406875.1, NM_001406877.1 and 5 more transcripts); and 12 more; short protein forms Q349E, Q365E, Q433E, Q544E, Q225E, Q378E, Q428E, Q470E.
Identifiers: ClinVar variation 2062715 (VCV002062715.5), dbSNP rs1554297488, ClinGen allele CA366741497.